The following is an entry in ClinVar:

ClinVar aggregate classification (germline): Uncertain significance. Review status: criteria provided, multiple submitters, no conflicts (2 of 4 stars). 4 submissions from 4 submitters: Uncertain significance (4). Last evaluated 2026-09-05.

Conditions:
Inborn genetic diseases. Identifiers: MedGen C0950123, MeSH D030342.
Finnish type amyloidosis. Also called: AMYLOID CRANIAL NEUROPATHY WITH LATTICE CORNEAL DYSTROPHY; AMYLOIDOSIS DUE TO MUTANT GELSOLIN; Amyloidosis, familial, Finnish type; Meretoja type amyloidosis; Amyloidosis 5; Lattice corneal dystrophy associated with familial systemic amyloidosis. Identifiers: Orphanet 85448, MedGen C1622345, MONDO:0007097, OMIM 105120.
GSN-related disorder. Also called: GSN-related condition.

Allele frequency attached by ClinVar (database versions not stated): gnomAD exomes 0.00001; gnomAD 0.00002; TOPMed 0.00004.
gnomAD v4.1: 7 of 1,613,968 alleles (0.00043%); highest among the groups gnomAD compares: Admixed American, 0.01%; no homozygotes.

Submissions (4):

PreventionGenetics, part of Exact Sciences
Classification: Uncertain significance for GSN-related condition. Last evaluated: 2026-09-05. Review status: criteria provided, single submitter. Criteria: ACMG Guidelines, 2015. Collection method: clinical testing. Allele origin: germline.
Comment: The GSN c.2318T>C variant is predicted to result in the amino acid substitution p.Leu773Ser. To our knowledge, this variant has not been reported in the literature. This variant is reported in 0.0057% of alleles in individuals of Latino descent in gnomAD. At this time, the clinical significance of this variant is uncertain due to the absence of conclusive functional and genetic evidence.

Labcorp Genetics (formerly Invitae), Labcorp
Classification: Uncertain significance. Last evaluated: 2024-06-20. Review status: criteria provided, single submitter. Criteria: Invitae Variant Classification Sherloc (09022015). Collection method: clinical testing. Allele origin: germline.
Comment: This sequence change replaces leucine, which is neutral and non-polar, with serine, which is neutral and polar, at codon 773 of the GSN protein (p.Leu773Ser). This variant is present in population databases (no rsID available, gnomAD 0.006%). This variant has not been reported in the literature in individuals affected with GSN-related conditions. An algorithm developed to predict the effect of missense changes on protein structure and function (PolyPhen-2) suggests that this variant is likely to be disruptive. In summary, the available evidence is currently insufficient to determine the role of this variant in disease. Therefore, it has been classified as a Variant of Uncertain Significance.

Ambry Genetics
Classification: Uncertain significance for Inborn genetic diseases. Last evaluated: 2024-02-02. Review status: criteria provided, single submitter. Criteria: Ambry Variant Classification Scheme 2023. Collection method: clinical testing. Allele origin: germline.

Fulgent Genetics
Classification: Uncertain significance for Finnish type amyloidosis. Last evaluated: 2024-02-02. Review status: criteria provided, single submitter. Criteria: ACMG Guidelines, 2015. Collection method: clinical testing. Allele origin: germline.

NM_198252.3(GSN):c.2165T>C (p.Leu722Ser)

Gene: GSN (gelsolin; plus strand). Cytogenetic location: 9q33.2.
Variant type: single nucleotide variant.
Coding change: c.2165T>C on transcript NM_198252.3 (MANE Select); coding-DNA position 2165, T replaced by C.
Protein change: p.Leu722Ser; replaces leucine 722 with serine.
Molecular consequence: missense variant.
Genome position (GRCh38, 1-based): chr9:121,332,572, T>C. VCF-style: chr9-121332572-T-C. GRCh37 (hg19) VCF-style: chr9-124094850-T-C.
Other names: c.2318T>C, p.Leu773Ser (NM_000177.5); c.2165T>C, p.Leu722Ser (NM_001127662.2, NM_001127664.2, NM_001127665.2 and 10 more transcripts); c.2273T>C, p.Leu758Ser (NM_001127663.2); c.2198T>C, p.Leu733Ser (NM_001127666.2, NM_001127667.2, NM_001353063.2 and 13 more transcripts); c.2216T>C, p.Leu739Ser (NM_001258029.2); c.2189T>C, p.Leu730Ser (NM_001258030.2); c.2237T>C, p.Leu746Ser (NM_001353076.2); c.1511T>C, p.Leu504Ser (NM_001353078.2); short protein forms L746S, L758S, L773S, L504S, L722S, L733S, L739S, L730S.
Identifiers: ClinVar variation 3102920 (VCV003102920.5), dbSNP rs1216456531, ClinGen allele CA374760630.